The following is an entry in ClinVar:

NM_001378457.1(DMXL2):c.2197A>G (p.Ile733Val)

Gene: DMXL2 (Dmx like 2; minus strand). Cytogenetic location: 15q21.2.
Variant type: single nucleotide variant.
Coding change: c.2197A>G on transcript NM_001378457.1 (MANE Select); coding-DNA position 2197, A replaced by G.
Protein change: p.Ile733Val; replaces isoleucine 733 with valine.
Molecular consequence: missense variant. On other transcripts: non-coding transcript variant (2).
Genome position (GRCh38, 1-based): chr15:51,536,283, T>C on the plus strand (A>G on the coding strand, the complement: DMXL2 is on the minus strand). VCF-style: chr15-51536283-T-C. GRCh37 (hg19) VCF-style: chr15-51828480-T-C.
Other names: c.2197A>G, p.Ile733Val (NM_001174116.3, NM_001174117.3, NM_001378458.1 and 6 more transcripts); c.1957A>G, p.Ile653Val (NM_001378464.1); short protein forms I653V, I733V.
Identifiers: ClinVar variation 4012433 (VCV004012433.2).
Genomic context (GRCh38, chr15:51,536,283, plus strand): 5'-TATGTAAAGAGTTAATTCGAGCCAATTCTGATACTCCTCCAGTGTATGACAAAGGTCCTA[T>C]TGGGTCTACACGCCACAGAATAAGTTCACTGTAGATTGCATTTGGGTCATGAAATGTACG-3'
Protein context (NP_001365386.1, residues 723-743): SELILWRVDP[Ile733Val]GPLSYTGGVS

ClinVar aggregate classification (germline): Uncertain significance. Review status: criteria provided, multiple submitters, no conflicts (2 of 4 stars). 2 submissions from 2 submitters: Uncertain significance (2). Last evaluated 2025-10-01.

Conditions:
Inborn genetic diseases. Identifiers: MedGen C0950123, MeSH D030342.

gnomAD v4.1: 12 of 1,613,924 alleles (0.00074%); highest among the groups gnomAD compares: Middle Eastern, 0.016%; no homozygotes.

Submissions (2):

Labcorp Genetics (formerly Invitae), Labcorp
Classification: Uncertain significance. Last evaluated: 2025-10-01. Review status: criteria provided, single submitter. Criteria: Invitae Variant Classification Sherloc (09022015). Collection method: clinical testing. Allele origin: germline.
Comment: This sequence change replaces isoleucine, which is neutral and non-polar, with valine, which is neutral and non-polar, at codon 733 of the DMXL2 protein (p.Ile733Val). This variant is present in population databases (no rsID available, gnomAD 0.003%). This variant has not been reported in the literature in individuals affected with DMXL2-related conditions. ClinVar contains an entry for this variant (Variation ID: 4012433). An algorithm developed to predict the effect of missense changes on protein structure and function (PolyPhen-2) suggests that this variant is likely to be disruptive. In summary, the available evidence is currently insufficient to determine the role of this variant in disease. Therefore, it has been classified as a Variant of Uncertain Significance.

Ambry Genetics
Classification: Uncertain significance for Inborn genetic diseases. Last evaluated: 2025-04-09. Review status: criteria provided, single submitter. Criteria: Ambry Variant Classification Scheme 2023. Collection method: clinical testing. Allele origin: germline.